The following is an entry in ClinVar:

NM_004260.4(RECQL4):c.56G>T (p.Arg19Leu)

Genes: RECQL4 (RecQ like helicase 4; minus strand), LOC130001411 (ATAC-STARR-seq lymphoblastoid silent region 19699; plus strand). Cytogenetic location: 8q24.3.
Variant type: single nucleotide variant.
Coding change: c.56G>T on transcript NM_004260.4 (MANE Select); coding-DNA position 56, G replaced by T.
Protein change: p.Arg19Leu; replaces arginine 19 with leucine.
Molecular consequence: missense variant.
Genome position (GRCh38, 1-based): chr8:144,517,729, C>A on the plus strand (G>T on the coding strand, the complement: RECQL4 is on the minus strand). VCF-style: chr8-144517729-C-A. GRCh37 (hg19) VCF-style: chr8-145743113-C-A.
Other names: c.56G>T, p.Arg19Leu (NM_001413017.1, NM_001413018.1, NM_001413019.1 and 6 more transcripts); c.-730G>T (NM_001413021.1); c.-1081G>T (NM_001413022.1, NM_001413023.1, NM_001413037.1 and 2 more transcripts); c.-978G>T (NM_001413024.1); c.-1078G>T (NM_001413027.1); c.-806G>T (NM_001413028.1); c.-1143G>T (NM_001413030.1, NM_001413031.1, NM_001413041.1); c.-975G>T (NM_001413032.1); and 4 more; short protein forms R19L.
Identifiers: ClinVar variation 2011742 (VCV002011742.4), dbSNP rs1231840928, ClinGen allele CA372693759.

ClinVar aggregate classification (germline): Uncertain significance (1 of 4 stars; one submission).

Conditions:
Baller-Gerold syndrome (BGS). Also called: CRANIOSYNOSTOSIS WITH RADIAL DEFECTS. Identifiers: Orphanet 1225, MedGen C0265308, MONDO:0009039, OMIM 218600.

Submission:

Labcorp Genetics (formerly Invitae), Labcorp
Classification: Uncertain significance for Baller-Gerold syndrome. Last evaluated: 2022-06-28. Review status: criteria provided, single submitter. Criteria: Invitae Variant Classification Sherloc (09022015). Collection method: clinical testing. Allele origin: germline.
Comment: This variant has not been reported in the literature in individuals affected with RECQL4-related conditions. Experimental studies and prediction algorithms are not available or were not evaluated, and the functional significance of this variant is currently unknown. In summary, the available evidence is currently insufficient to determine the role of this variant in disease. Therefore, it has been classified as a Variant of Uncertain Significance. This sequence change replaces arginine, which is basic and polar, with leucine, which is neutral and non-polar, at codon 19 of the RECQL4 protein (p.Arg19Leu). This variant is not present in population databases (gnomAD no frequency).